The following is an entry in ClinVar:

ClinVar aggregate classification (germline): Uncertain significance (1 of 4 stars; one submission).

Submission:

Athena Diagnostics
Classification: Uncertain significance. Last evaluated: 2022-09-19. Review status: criteria provided, single submitter. Criteria: Athena Diagnostics Criteria. Collection method: clinical testing. Allele origin: unknown.
Comment: Available data are insufficient to determine the clinical significance of the variant at this time. This variant has not been reported in large, multi-ethnic general populations. Computational tools predict that this variant is not damaging.

NM_002397.5(MEF2C):c.1360C>A (p.Pro454Thr)

Genes: MEF2C (myocyte enhancer factor 2C; minus strand), MEF2C-AS2 (MEF2C antisense RNA 2; plus strand). Cytogenetic location: 5q14.3.
Variant type: single nucleotide variant.
Coding change: c.1360C>A on transcript NM_002397.5 (MANE Select); coding-DNA position 1360, C replaced by A.
Protein change: p.Pro454Thr; replaces proline 454 with threonine.
Molecular consequence: missense variant. On other transcripts: non-coding transcript variant (1), 3 prime UTR variant (9).
Genome position (GRCh38, 1-based): chr5:88,722,666, G>T on the plus strand (C>A on the coding strand, the complement: MEF2C is on the minus strand). VCF-style: chr5-88722666-G-T. GRCh37 (hg19) VCF-style: chr5-88018483-G-T.
Other names: c.1330C>A, p.Pro444Thr (NM_001131005.2); c.1390C>A, p.Pro464Thr (NM_001193347.1); c.1192C>A, p.Pro398Thr (NM_001193348.1); c.1120C>A, p.Pro374Thr (NM_001193349.3, NM_001364332.2); c.1360C>A, p.Pro454Thr (NM_001193350.2, NM_001364329.2, NM_001364330.2 and 1 more transcripts); c.1336C>A, p.Pro446Thr (NM_001308002.3, NM_001364333.2); c.1264C>A, p.Pro422Thr (NM_001363581.2, NM_001364334.2, NM_001364335.2 and 2 more transcripts); c.1294C>A, p.Pro432Thr (NM_001364338.2); and 7 more; short protein forms P272T, P296T, P328T, P374T, P398T, P406T, P412T, P414T.
Identifiers: ClinVar variation 1807551 (VCV001807551.2), dbSNP rs201684050, ClinGen allele CA360421817.